The following is an entry in ClinVar:

ClinVar aggregate classification (germline): Pathogenic/Likely pathogenic. Review status: criteria provided, multiple submitters, no conflicts (2 of 4 stars). 4 submissions from 4 submitters: Pathogenic (2); Likely pathogenic (2). Last evaluated 2024-04-24.

Conditions:
NFIA-Related Disorder. Also called: NFIA-related condition; NFIA-related disorders. Identifiers: MedGen CN381099.
Brain malformations with or without urinary tract defects. Also called: Brain malformations and urinary tract defects. Identifiers: MedGen C4478940, MONDO:0100478, OMIM 613735.

Allele frequency attached by ClinVar (database versions not stated): gnomAD exomes below 0.00001.
gnomAD v4.1: 1 of 1,613,938 alleles (0.000062%); highest among the groups gnomAD compares: Non-Finnish European, 0.000085%; no homozygotes.

Submissions (4):

GeneDx
Classification: Pathogenic. Last evaluated: 2024-04-24. Review status: criteria provided, single submitter. Criteria: GeneDx Variant Classification Process June 2021. Collection method: clinical testing. Allele origin: germline. Affected: yes.
Comment: Nonsense variant predicted to result in protein truncation or nonsense mediated decay in a gene for which loss-of-function is a known mechanism of disease; This variant is associated with the following publications: (PMID: 34715294, 33057194, 37541188, 36553517, 35982159)

PreventionGenetics, part of Exact Sciences
Classification: Likely pathogenic for NFIA-related condition. Last evaluated: 2022-08-26. Review status: criteria provided, single submitter. Criteria: ACMG Guidelines, 2015. Collection method: clinical testing. Allele origin: germline.
Comment: The NFIA c.1051C>T variant is predicted to result in premature protein termination (p.Arg351*). To our knowledge, this variant has not been previously reported in association with disease. This variant has not been reported in a large population database, indicating this variant is rare. Nonsense variants in NFIA are expected to be pathogenic. This variant is interpreted as likely pathogenic.

Institute of Medical Genetics and Applied Genomics, University Hospital Tübingen
Classification: Likely pathogenic. Last evaluated: 2021-06-17. Review status: criteria provided, single submitter. Criteria: ACMG Guidelines, 2015. Collection method: clinical testing. Allele origin: germline. Inheritance: Autosomal dominant inheritance. Affected: yes.

Laboratoire de Génétique Moléculaire, CHU Bordeaux
Classification: Pathogenic for Brain malformations with or without urinary tract defects. Last evaluated: 2020-05-29. Review status: criteria provided, single submitter. Criteria: ACMG Guidelines, 2015. Collection method: clinical testing. Allele origin: germline. Affected: yes.

NM_001134673.4(NFIA):c.1051C>T (p.Arg351Ter)

Gene: NFIA (nuclear factor I A; plus strand). Cytogenetic location: 1p31.3.
Variant type: single nucleotide variant.
Coding change: c.1051C>T on transcript NM_001134673.4 (MANE Select); coding-DNA position 1051, C replaced by T.
Protein change: p.Arg351Ter; replaces arginine 351 with a stop codon.
Molecular consequence: nonsense.
Genome position (GRCh38, 1-based): chr1:61,383,341, C>T. VCF-style: chr1-61383341-C-T. GRCh37 (hg19) VCF-style: chr1-61849013-C-T.
Other names: c.1027C>T, p.Arg343Ter (NM_001145511.2); c.1186C>T, p.Arg396Ter (NM_001145512.2); c.1051C>T, p.Arg351Ter (NM_005595.5); c.1051C>T (NM_005595.4, NM_001134673.3); short protein forms R343*, R351*, R396*.
Identifiers: ClinVar variation 1184868 (VCV001184868.5), dbSNP rs1422656895, ClinGen allele CA340588899.
Genomic context (GRCh38, chr1:61,383,341, plus strand): 5'-TTCAGCAGCCCCTCCCCTTCACAGACCTCCTCCCTGGGAACGGCGTTCACACAGCATCAC[C>T]GACCTGTCATTACAGGACCCAGAGGTGAGCTGCTCCACAGGCACCCTTGGTTGTGCTTAT-3'